The following is an entry in ClinVar:

NM_003000.3(SDHB):c.653G>A (p.Trp218Ter)

Gene: SDHB (succinate dehydrogenase complex iron sulfur subunit B; minus strand). Cytogenetic location: 1p36.13.
Variant type: single nucleotide variant.
Coding change: c.653G>A on transcript NM_003000.3 (MANE Select); coding-DNA position 653, G replaced by A.
Protein change: p.Trp218Ter; replaces tryptophan 218 with a stop codon.
Molecular consequence: nonsense.
Genome position (GRCh38, 1-based): chr1:17,022,720, C>T on the plus strand (G>A on the coding strand, the complement: SDHB is on the minus strand). VCF-style: chr1-17022720-C-T. GRCh37 (hg19) VCF-style: chr1-17349215-C-T.
Other names: short protein forms W218*.
Identifiers: ClinVar variation 664580 (VCV000664580.9), dbSNP rs1553177290, ClinGen allele CA338270493.

ClinVar aggregate classification (germline): Pathogenic. Review status: criteria provided, multiple submitters, no conflicts (2 of 4 stars). 3 submissions from 3 submitters: Pathogenic (3). Last evaluated 2025-01-24.

Conditions:
Pheochromocytoma/paraganglioma syndrome 4. Also called: SDHB-Related Hereditary Paraganglioma-Pheochromocytoma Syndrome (Paragangliomas 4); SDHB-Related Hereditary Paraganglioma-Pheochromocytoma Syndrome; CAROTID BODY TUMORS AND MULTIPLE EXTRAADRENAL PHEOCHROMOCYTOMAS; PARAGANGLIOMA, FAMILIAL MALIGNANT; PARAGANGLIOMAS, HEREDITARY EXTRAADRENAL; PHEOCHROMOCYTOMA, FAMILIAL EXTRAADRENAL. Identifiers: Orphanet 29072, MedGen C1861848, MONDO:0007273, OMIM 115310.
Pheochromocytoma. Also called: MAX-Related Hereditary Paraganglioma-Pheochromocytoma Syndrome. Identifiers: Orphanet 29072, MedGen C0031511, MONDO:0008233, OMIM 171300, HP:0002666.
Gastrointestinal stromal tumor. Also called: Gastrointestinal stromal tumor, somatic; Gastrointestinal stroma tumor. Identifiers: Orphanet 44890, MedGen C0238198, MeSH D046152, MONDO:0011719, OMIM 606764, HP:0100723.
Hereditary pheochromocytoma and paraganglioma. Also called: Hereditary paragangliomas and pheochromocytomas; Hereditary pheochromocytoma-paraganglioma; Hereditary Paraganglioma-Pheochromocytoma Syndromes. Identifiers: Orphanet 29072, MedGen C4274332, MONDO:0017366.

Submissions (3):

Department of Clinical Genetics, Copenhagen University Hospital, Rigshospitalet
Classification: Pathogenic for Hereditary pheochromocytoma and paraganglioma. Last evaluated: 2025-01-24. Review status: criteria provided, single submitter. Criteria: ACMG Guidelines, 2015. Collection method: clinical testing. Allele origin: germline.
Comment: The following ACMG criteria have been used in classification: PM2_SUP; PVS1; PS4_SUP

Labcorp Genetics (formerly Invitae), Labcorp
Classification: Pathogenic for Gastrointestinal stromal tumor; Pheochromocytoma/paraganglioma syndrome 4; Pheochromocytoma. Last evaluated: 2024-01-24. Review status: criteria provided, single submitter. Criteria: Invitae Variant Classification Sherloc (09022015). Collection method: clinical testing. Allele origin: germline.
Comment: This sequence change creates a premature translational stop signal (p.Trp218*) in the SDHB gene. It is expected to result in an absent or disrupted protein product. Loss-of-function variants in SDHB are known to be pathogenic (PMID: 19454582, 19802898). This variant is not present in population databases (gnomAD no frequency). This premature translational stop signal has been observed in individuals with paraganglioma-pheochromocytoma syndromes (PMID: 22517554, 27279923, 27573198). ClinVar contains an entry for this variant (Variation ID: 664580). For these reasons, this variant has been classified as Pathogenic.

Myriad Genetics, Inc.
Classification: Pathogenic for Pheochromocytoma/paraganglioma syndrome 4. Last evaluated: 2023-07-07. Review status: criteria provided, single submitter. Criteria: Myriad Autosomal Dominant, Autosomal Recessive and X-Linked Classification Criteria (2023). Collection method: clinical testing. Allele origin: unknown.
Comment: This variant is considered pathogenic. This variant creates a termination codon and is predicted to result in premature protein truncation.

Literature cited by the submitters: PubMed 27279923 (cited by Department of Clinical Genetics, Copenhagen University Hospital, Rigshospitalet and Labcorp Genetics (formerly Invitae), Labcorp); PubMed 19454582 (cited by Labcorp Genetics (formerly Invitae), Labcorp); PubMed 19802898 (cited by Labcorp Genetics (formerly Invitae), Labcorp); PubMed 22517554 (cited by Labcorp Genetics (formerly Invitae), Labcorp); PubMed 27573198 (cited by Labcorp Genetics (formerly Invitae), Labcorp).